The following is an entry in ClinVar:

NM_000059.4(BRCA2):c.43_45del (p.Phe15del)

Gene: BRCA2 (BRCA2 DNA repair associated; plus strand). Cytogenetic location: 13q13.1.
Variant type: Deletion.
Coding change: c.43_45del on transcript NM_000059.4 (MANE Select); coding-DNA positions 43 to 45, 3 bases deleted (TTT; older notation c.43_45delTTT).
Protein change: p.Phe15del; deletes phenylalanine 15.
Molecular consequence: inframe deletion. On other transcripts: inframe indel (3).
Genome position (GRCh38, 1-based): chr13:32,316,503-32,316,505, TTT deleted; deleting any 3 consecutive bases within chr13:32,316,501-32,316,505 gives the same sequence; the c. name uses the placement nearest the transcript's 3' end. VCF-style (leftmost placement, unchanged base first): chr13-32316500-ATTT-A. GRCh37 (hg19) VCF-style: chr13-32890637-ATTT-A.
Other names: c.43_45delTTT, p.Phe15del (NM_001406719.1, NM_001406720.1, NM_001406721.1); short protein forms F15del.
Identifiers: ClinVar variation 1739551 (VCV001739551.2), dbSNP rs2138698372, ClinGen allele CA2580086949.
Genomic context (GRCh38, chr13:32,316,500, plus strand): 5'-GGAGGAATATCGTAGGTAAAAATGCCTATTGGATCCAAAGAGAGGCCAACATTTTTTGAA[ATTT>A]TTAAGACACGCTGCAACAAAGCAGGTATTGACAAATTTTATATAACTTTATAAATTACAC-3'

ClinVar aggregate classification (germline): Uncertain significance (1 of 4 stars; one submission).

Conditions:
Hereditary cancer-predisposing syndrome. Also called: Hereditary Cancer Syndrome; Hereditary neoplastic syndrome; Neoplastic Syndromes, Hereditary; Tumor predisposition. Identifiers: Orphanet 140162, MedGen C0027672, MeSH D009386, MONDO:0015356.

Submission:

Ambry Genetics
Classification: Uncertain significance for Hereditary cancer-predisposing syndrome. Last evaluated: 2019-05-14. Review status: criteria provided, single submitter. Criteria: Ambry Variant Classification Scheme 2023. Collection method: clinical testing. Allele origin: germline.
Comment: The c.43_45delTTT variant, also known as p.F15del, is located in coding exon 1 of the BRCA2 gene. This variant results from an in-frame TTT deletion at nucleotide positions 43 to 45, resulting in the in-frame deletion of a phenylalanine residue at codon 15. This nucleotide region is highly conserved. Since supporting evidence is limited at this time, the clinical significance of this alteration remains unclear.